The following is an entry in ClinVar:

NM_001276345.2(TNNT2):c.516_517delinsTT (p.Glu172_Glu173delinsAspTer)

Gene: TNNT2 (troponin T2, cardiac type; minus strand). Cytogenetic location: 1q32.1.
Variant type: Indel.
Coding change: c.516_517delinsTT on transcript NM_001276345.2 (MANE Select); coding-DNA positions 516 to 517, GG replaced by TT.
Protein change: p.Glu172_Glu173delinsAspTer.
Molecular consequence: nonsense.
Genome position (GRCh38, 1-based): chr1:201,363,379-201,363,380, CC replaced by AA on the plus strand (GG replaced by TT on the coding strand, the reverse complement: TNNT2 is on the minus strand). VCF-style: chr1-201363379-CC-AA. GRCh37 (hg19) VCF-style: chr1-201332507-CC-AA.
Other names: c.516_517delinsTT, p.Glu172_Glu173delinsAspTer (NM_000364.4); c.486_487delinsTT, p.Glu162_Glu163delinsAspTer (NM_001001430.3, NM_001001431.3, NM_001276347.2); c.471_472delinsTT, p.Glu157_Glu158delinsAspTer (NM_001001432.3); c.396_397delinsTT, p.Glu132_Glu133delinsAspTer (NM_001276346.2).
Identifiers: ClinVar variation 181638 (VCV000181638.10), dbSNP rs730881118, ClinGen allele CA004645.
Genomic context (GRCh38, chr1:201,363,379, plus strand): 5'-GCATCATGTTGGACAAAGCCTTCTTCTTCCGGGCCTCATCCTCAGCCTTCCTCCTGTTCT[CC>AA]TCCTCCTCTCGTCGAGCCCTCTCTTCCTGATTTACAGCAGGGAGGAAGAAAGCAAATTAG-3'

ClinVar aggregate classification (germline): Uncertain significance. Review status: criteria provided, single submitter (1 of 4 stars). 3 submissions from 2 submitters: Uncertain significance (2). 1 of the submissions does not count toward it. Last evaluated 2023-09-11.

Conditions:
Dilated cardiomyopathy 1D. Identifiers: Orphanet 154, Orphanet 54260, MedGen C1832243, MONDO:0011095, OMIM 601494.
Hypertrophic cardiomyopathy 2. Also called: TNNT2-Related Familial Hypertrophic Cardiomyopathy. Identifiers: MedGen C1861864, MONDO:0007266, OMIM 115195.
Cardiomyopathy, familial restrictive, 3. Identifiers: Orphanet 75249, MedGen C2676271, MONDO:0012900, OMIM 612422.

Submissions (3):

Labcorp Genetics (formerly Invitae), Labcorp
Classification: Uncertain significance for Cardiomyopathy, familial restrictive, 3; Hypertrophic cardiomyopathy 2; Dilated cardiomyopathy 1D. Last evaluated: 2023-09-11. Review status: criteria provided, single submitter. Criteria: Invitae Variant Classification Sherloc (09022015). Collection method: clinical testing. Allele origin: germline.
Comment: This variant has not been reported in the literature in individuals affected with TNNT2-related conditions. Information on the frequency of this variant in the gnomAD database is not available, as this variant may be reported differently in the database. This sequence change creates a premature translational stop signal (p.Glu162_Glu163delinsAsp*) in the TNNT2 gene. It is expected to result in an absent or disrupted protein product. However, the current clinical and genetic evidence is not sufficient to establish whether loss-of-function variants in TNNT2 cause disease. ClinVar contains an entry for this variant (Variation ID: 181638). In summary, the available evidence is currently insufficient to determine the role of this variant in disease. Therefore, it has been classified as a Variant of Uncertain Significance.

Labcorp Genetics (formerly Invitae), Labcorp
Classification: Uncertain significance for Hypertrophic cardiomyopathy 2; Dilated cardiomyopathy 1D. Last evaluated: 2016-01-09. Review status: criteria provided, single submitter. Criteria: Invitae Variant Classification Sherloc (09022015). Collection method: clinical testing. Allele origin: germline.
Comment: This sequence change inserts 2 nucleotides in exon 11 of the TNNT2 mRNA (c.486_487delGGinsTT), causing a frameshift at codon 163. This creates a premature translational stop signal (p.Glu162_Glu163delinsAsp*) and is expected to result in an absent or disrupted protein product. At least two truncating variants that affect the last exon of the TNNT2 gene are known to be Pathogenic (PMID: 8205619, 12707239, 20439259, 22857948, 23396983) and truncated versions TNNT2 have dominant negative effects in vitro (PMID: 10617660, 10850966). In addition, other disease-causing missense variants show decreased calcium sensitivity of force development (PMID: 20031601) which suggests that haploinsufficiency could also be a mechanism. However, haploinsufficiency has not been conclusively demonstrated as causing disease. As a result, this has been classified as a Variant of Uncertain Significance.

Stanford Center for Inherited Cardiovascular Disease, Stanford University
Classification: Uncertain significance. Last evaluated: 2012-01-16. Review status: no assertion criteria provided. Collection method: clinical testing. Allele origin: germline. Observed: 1 variant allele. Not counted in ClinVar's aggregate classification.
Comment: Note this variant was found in clinical genetic testing performed by one or more labs who may also submit to ClinVar. Thus any internal case data may overlap with the internal case data of other labs. The interpretation reviewed below is that of the Stanford Center for Inherited Cardiovascular Disease. p.Glu162AspfsX1 (E162DfsX1; c.486_487delGGinsTT) in the TNNT2 gene. To date, it is not clear that premature stop codons in the gene TNNT2 gene typically cause disease. Furthermore, this gene is not a good match to our patient's phenotype, as it is not known to cause isolated heart block. This variant is completely novel, and has not been previously reported as a disease-causing mutation or as a benign polymorphism. It appears that the TNNT2 gene has not been associated in the literature with heart block as a presenting feature in the absence of cardiomyopathy. The protein encoded by this gene is the tropomyosin-binding subunit of the troponin complex, which is located on the thin filament of striated muscles and regulates muscle contraction in response to alterations in intracellular calcium ion concentration. As described by GeneDx, mutations in TNNT2 have been reported in 5-15% of patients with autosomal dominant familial hypertrophic cardiomyopathy (HCM), often characterized by minimal left ventricular hypertrophy but a high incidence of sudden cardiac death (Moolman et al. 1997; Cirino et al. 2011). Mutations in TNNT2 have been reported less frequently in association with autosomal dominant DCM (Hershberger et al. 2009), and in some cases these patients with DCM have developed heart block. This is an in-frame alteration of 2 adjacent nucleotides that results in a change of Glutamic Acid 162 to an Aspartic Acid, and creation of a premature stop codon immediately downstream. This variant is expected to create either a truncated, abnormal protein product or loss of protein from this allele through nonsense-mediated decay. However, the vast majority of known disease-causing changes in TNNT2 are missense, indicating that haploinsufficiency of TNNT2 may not be sufficient to cause disease. HGMD contains at least one pathogenic splicing variant in TNNT2. Truncating variants do appear in population datasets. The NHLBI Exome Sequencing Project dataset currently contains 2 frameshift variants in TNNT2, and has variant calls on ~4300 Caucasian and ~2200 African American individuals (as of 5/21/2013). One of these frameshift variants is present in 1 Caucasian individual, the other is present in 2 Caucasian individuals. dbSNP apparently contains 1 frameshift variant. Given the mismatch between this gene and our patient’s phenotype, plus the uncertain effects of TNNT2 truncating variants, it seems unlikely that this variant is the explanation for our patient’s heart block. Pathogenicity would be more likely if this variant occurred de novo in the patient or segregates with disease in the family.